The following is an entry in ClinVar:

NM_020774.4(MIB1):c.1771A>C (p.Ile591Leu)

Gene: MIB1 (MIB E3 ubiquitin protein ligase 1; plus strand). Cytogenetic location: 18q11.2.
Variant type: single nucleotide variant.
Coding change: c.1771A>C on transcript NM_020774.4 (MANE Select); coding-DNA position 1771, A replaced by C.
Protein change: p.Ile591Leu; replaces isoleucine 591 with leucine.
Molecular consequence: missense variant.
Genome position (GRCh38, 1-based): chr18:21,819,588, A>C. VCF-style: chr18-21819588-A-C. GRCh37 (hg19) VCF-style: chr18-19399549-A-C.
Other names: short protein forms I591L.
Identifiers: ClinVar variation 3395797 (VCV003395797.1).

ClinVar aggregate classification (germline): Uncertain significance (1 of 4 stars; one submission).

Conditions:
Inborn genetic diseases. Identifiers: MedGen C0950123, MeSH D030342.

gnomAD v4.1: 1 of 1,612,356 alleles (0.000062%); highest among the groups gnomAD compares: Non-Finnish European, 0.000085%; no homozygotes.

Submission:

Ambry Genetics
Classification: Uncertain significance for Inborn genetic diseases. Last evaluated: 2024-11-03. Review status: criteria provided, single submitter. Criteria: Ambry Variant Classification Scheme 2023. Collection method: clinical testing. Allele origin: germline.
Comment: The p.I591L variant (also known as c.1771A>C), located in coding exon 12 of the MIB1 gene, results from an A to C substitution at nucleotide position 1771. The isoleucine at codon 591 is replaced by leucine, an amino acid with highly similar properties. This amino acid position is conserved. In addition, this alteration is predicted to be tolerated by in silico analysis. Based on the available evidence, the clinical significance of this variant remains unclear.